The following is an entry in ClinVar:

NM_139319.3(SLC17A8):c.356C>G (p.Thr119Arg)

Gene: SLC17A8 (solute carrier family 17 member 8; plus strand). Cytogenetic location: 12q23.1.
Variant type: single nucleotide variant.
Coding change: c.356C>G on transcript NM_139319.3 (MANE Select); coding-DNA position 356, C replaced by G.
Protein change: p.Thr119Arg; replaces threonine 119 with arginine.
Molecular consequence: missense variant.
Genome position (GRCh38, 1-based): chr12:100,391,002, C>G. VCF-style: chr12-100391002-C-G. GRCh37 (hg19) VCF-style: chr12-100784780-C-G.
Other names: c.356C>G, p.Thr119Arg (NM_001145288.2); short protein forms T119R.
Identifiers: ClinVar variation 1804575 (VCV001804575.1), dbSNP rs746526640, ClinGen allele CA6738738.

ClinVar aggregate classification (germline): Uncertain significance (1 of 4 stars; one submission).

gnomAD v4.1: 1 of 1,600,506 alleles (0.000062%); highest among the groups gnomAD compares: Non-Finnish European, 0.000086%; no homozygotes.

Submission:

GeneDx
Classification: Uncertain significance. Last evaluated: 2022-06-13. Review status: criteria provided, single submitter. Criteria: GeneDx Variant Classification Process June 2021. Collection method: clinical testing. Allele origin: germline. Affected: yes.
Comment: Not observed at significant frequency in large population cohorts (gnomAD); In silico analysis supports that this missense variant does not alter protein structure/function; Has not been previously published as pathogenic or benign to our knowledge